The following is an entry in ClinVar:

NM_005458.8(GABBR2):c.580C>T (p.Gln194Ter)

Gene: GABBR2 (gamma-aminobutyric acid type B receptor subunit 2; minus strand). Cytogenetic location: 9q22.33.
Variant type: single nucleotide variant.
Coding change: c.580C>T on transcript NM_005458.8 (MANE Select); coding-DNA position 580, C replaced by T.
Protein change: p.Gln194Ter; replaces glutamine 194 with a stop codon.
Molecular consequence: nonsense.
Genome position (GRCh38, 1-based): chr9:98,541,923, G>A on the plus strand (C>T on the coding strand, the complement: GABBR2 is on the minus strand). VCF-style: chr9-98541923-G-A. GRCh37 (hg19) VCF-style: chr9-101304205-G-A.
Other names: short protein forms Q194*.
Identifiers: ClinVar variation 3381494 (VCV003381494.3).

ClinVar aggregate classification (germline): Uncertain significance. Review status: criteria provided, multiple submitters, no conflicts (2 of 4 stars). 2 submissions from 2 submitters: Uncertain significance (2). Last evaluated 2025-09-23.

Conditions:
Epileptic encephalopathy. Identifiers: MedGen C0543888, HP:0200134.

Submissions (2):

Labcorp Genetics (formerly Invitae), Labcorp
Classification: Uncertain significance for Epileptic encephalopathy. Last evaluated: 2025-09-23. Review status: criteria provided, single submitter. Criteria: Invitae Variant Classification Sherloc (09022015). Collection method: clinical testing. Allele origin: germline.
Comment: This sequence change creates a premature translational stop signal (p.Gln194*) in the GABBR2 gene. It is expected to result in an absent or disrupted protein product. However, the current clinical and genetic evidence is not sufficient to establish whether loss-of-function variants in GABBR2 cause disease. This variant is not present in population databases (gnomAD no frequency). This variant has not been reported in the literature in individuals affected with GABBR2-related conditions. ClinVar contains an entry for this variant (Variation ID: 3381494). In summary, the available evidence is currently insufficient to determine the role of this variant in disease. Therefore, it has been classified as a Variant of Uncertain Significance.

GeneDx
Classification: Uncertain significance. Last evaluated: 2025-02-20. Review status: criteria provided, single submitter. Criteria: GeneDx Variant Classification Process June 2021. Collection method: clinical testing. Allele origin: germline.
Comment: Nonsense variant predicted to result in protein truncation or nonsense mediated decay in a gene or region of a gene for which loss of function is not a well-established mechanism of disease; Has not been previously published as pathogenic or benign to our knowledge